The following is an entry in ClinVar:

NM_001330360.2(POLA1):c.3955A>G (p.Ile1319Val)

Gene: POLA1 (DNA polymerase alpha 1, catalytic subunit; plus strand). Cytogenetic location: Xp22.11.
Variant type: single nucleotide variant.
Coding change: c.3955A>G on transcript NM_001330360.2 (MANE Select); coding-DNA position 3955, A replaced by G.
Protein change: p.Ile1319Val; replaces isoleucine 1319 with valine.
Molecular consequence: missense variant. On other transcripts: non-coding transcript variant (2).
Genome position (GRCh38, 1-based): chrX:24,843,585, A>G. VCF-style: chrX-24843585-A-G. GRCh37 (hg19) VCF-style: chrX-24861702-A-G.
Other names: c.3880A>G, p.Ile1294Val (NM_001378303.1); c.3937A>G, p.Ile1313Val (NM_016937.4); c.3937A>G (NM_016937.3); short protein forms I1294V, I1313V, I1319V.
Identifiers: ClinVar variation 1055272 (VCV001055272.12), dbSNP rs756416451, ClinGen allele CA10373650.

ClinVar aggregate classification (germline): Uncertain significance. Review status: criteria provided, multiple submitters, no conflicts (2 of 4 stars). 3 submissions from 3 submitters: Uncertain significance (2). 1 of the submissions does not count toward it. Last evaluated 2025-11-03.

Conditions:
X-linked intellectual disability, van Esch type. Also called: MENTAL RETARDATION, X-LINKED, SYNDROMIC, VAN ESCH-O''DRISCOLL TYPE; Van Esch-O'Driscoll syndrome. Identifiers: Orphanet 163976, MedGen C4305072, MONDO:0015601, OMIM 301030.
X-linked reticulate pigmentary disorder. Also called: Pigmentary disorder, reticulate, with systemic manifestations, X-linked. Identifiers: Orphanet 85453, MedGen C1845050, MONDO:0010523, OMIM 301220.
POLA1-related disorder. Also called: POLA1-related condition.

Allele frequency attached by ClinVar (database versions not stated): gnomAD exomes 0.00003 and 0.00013; gnomAD 0.00004; TOPMed 0.00008; ExAC 0.00011.
gnomAD v4.1: 33 of 1,190,920 alleles (0.0028%); highest among the groups gnomAD compares: Admixed American, 0.062%; no homozygotes.

Submissions (3):

Labcorp Genetics (formerly Invitae), Labcorp
Classification: Uncertain significance. Last evaluated: 2025-11-03. Review status: criteria provided, single submitter. Criteria: Invitae Variant Classification Sherloc (09022015). Collection method: clinical testing. Allele origin: germline.
Comment: This sequence change replaces isoleucine, which is neutral and non-polar, with valine, which is neutral and non-polar, at codon 1313 of the POLA1 protein (p.Ile1313Val). The frequency data for this variant in the population databases is considered unreliable, as metrics indicate poor data quality at this position in the gnomAD database. This variant has not been reported in the literature in individuals affected with POLA1-related conditions. ClinVar contains an entry for this variant (Variation ID: 1055272). Invitae Evidence Modeling of protein sequence and biophysical properties (such as structural, functional, and spatial information, amino acid conservation, physicochemical variation, residue mobility, and thermodynamic stability) indicates that this missense variant is not expected to disrupt POLA1 protein function with a negative predictive value of 80%. In summary, the available evidence is currently insufficient to determine the role of this variant in disease. Therefore, it has been classified as a Variant of Uncertain Significance.

Fulgent Genetics
Classification: Uncertain significance for X-linked intellectual disability, van Esch type; X-linked reticulate pigmentary disorder. Last evaluated: 2022-01-17. Review status: criteria provided, single submitter. Criteria: ACMG Guidelines, 2015. Collection method: clinical testing. Allele origin: unknown.

PreventionGenetics, part of Exact Sciences
Classification: Likely benign for POLA1-related condition. Last evaluated: 2022-06-29. Review status: no assertion criteria provided. Collection method: clinical testing. Allele origin: germline. Not counted in ClinVar's aggregate classification.
Comment: This variant is classified as likely benign based on ACMG/AMP sequence variant interpretation guidelines (Richards et al. 2015 PMID: 25741868, with internal and published modifications).